The following is an entry in ClinVar:

NM_004304.5(ALK):c.265G>A (p.Gly89Ser)

Gene: ALK (ALK receptor tyrosine kinase; minus strand). Cytogenetic location: 2p23.1.
Variant type: single nucleotide variant.
Coding change: c.265G>A on transcript NM_004304.5 (MANE Select); coding-DNA position 265, G replaced by A.
Protein change: p.Gly89Ser; replaces glycine 89 with serine.
Molecular consequence: missense variant.
Genome position (GRCh38, 1-based): chr2:29,920,395, C>T on the plus strand (G>A on the coding strand, the complement: ALK is on the minus strand). VCF-style: chr2-29920395-C-T. GRCh37 (hg19) VCF-style: chr2-30143261-C-T.
Other names: short protein forms G89S.
Identifiers: ClinVar variation 1375580 (VCV001375580.11), dbSNP rs1468357046, ClinGen allele CA346590373.

ClinVar aggregate classification (germline): Conflicting classifications of pathogenicity. Review status: criteria provided, conflicting classifications (1 of 4 stars). 4 submissions from 4 submitters: Uncertain significance (3); Likely benign (1). Last evaluated 2025-03-31.

Conditions:
Hereditary cancer-predisposing syndrome. Also called: Hereditary neoplastic syndrome; Hereditary Cancer Syndrome; Tumor predisposition; Neoplastic Syndromes, Hereditary. Identifiers: Orphanet 140162, MedGen C0027672, MeSH D009386, MONDO:0015356.
Neuroblastoma, susceptibility to, 3. Also called: ALK-Related Neuroblastic Tumor Susceptibility. Identifiers: Orphanet 635, MedGen C2751681, MONDO:0013083, OMIM 613014.

Allele frequency attached by ClinVar (database versions not stated): gnomAD 0.00001; 1000 Genomes Project 30x 0.00016.

Submissions (4):

Labcorp Genetics (formerly Invitae), Labcorp
Classification: Uncertain significance for Neuroblastoma, susceptibility to, 3. Last evaluated: 2025-03-31. Review status: criteria provided, single submitter. Criteria: Invitae Variant Classification Sherloc (09022015). Collection method: clinical testing. Allele origin: germline.
Comment: This sequence change replaces glycine, which is neutral and non-polar, with serine, which is neutral and polar, at codon 89 of the ALK protein (p.Gly89Ser). The frequency data for this variant in the population databases is considered unreliable, as metrics indicate poor data quality at this position in the gnomAD database. This variant has not been reported in the literature in individuals affected with ALK-related conditions. ClinVar contains an entry for this variant (Variation ID: 1375580). An algorithm developed to predict the effect of missense changes on protein structure and function outputs the following: PolyPhen-2: "Possibly Damaging". The serine amino acid residue is found in multiple mammalian species, which suggests that this missense change does not adversely affect protein function. In summary, the available evidence is currently insufficient to determine the role of this variant in disease. Therefore, it has been classified as a Variant of Uncertain Significance.

Ambry Genetics
Classification: Uncertain significance for Hereditary cancer-predisposing syndrome. Last evaluated: 2024-10-29. Review status: criteria provided, single submitter. Criteria: Ambry Variant Classification Scheme 2023. Collection method: clinical testing. Allele origin: germline.

Baylor Genetics
Classification: Uncertain significance for Neuroblastoma, susceptibility to, 3. Last evaluated: 2024-03-07. Review status: criteria provided, single submitter. Criteria: ACMG Guidelines, 2015. Collection method: clinical testing. Allele origin: unknown.

Blueprint Genetics
Classification: Likely benign. Last evaluated: 2022-09-06. Review status: criteria provided, single submitter. Criteria: ACMG Guidelines, 2015. Collection method: clinical testing. Allele origin: germline.